The following is an entry in ClinVar:

NM_152443.3(RDH12):c.500C>T (p.Pro167Leu)

Genes: GPHN (gephyrin; plus strand), RDH12 (retinol dehydrogenase 12; plus strand). Cytogenetic location: 14q24.1.
Variant type: single nucleotide variant.
Coding change: c.500C>T on transcript NM_152443.3 (MANE Select); coding-DNA position 500, C replaced by T.
Protein change: p.Pro167Leu; replaces proline 167 with leucine.
Molecular consequence: missense variant.
Genome position (GRCh38, 1-based): chr14:67,727,032, C>T. VCF-style: chr14-67727032-C-T. GRCh37 (hg19) VCF-style: chr14-68193749-C-T.
Other names: short protein forms P167L.
Identifiers: ClinVar variation 3014804 (VCV003014804.4), dbSNP rs147338078, ClinGen allele CA7238732.

ClinVar aggregate classification (germline): Uncertain significance. Review status: criteria provided, multiple submitters, no conflicts (2 of 4 stars). 2 submissions from 2 submitters: Uncertain significance (2). Last evaluated 2024-12-10.

Conditions:
Leber congenital amaurosis 13 (LCA13). Identifiers: MedGen C2675186, MONDO:0012990, OMIM 612712.

Allele frequency attached by ClinVar (database versions not stated): ExAC 0.00001; gnomAD 0.00003; TOPMed 0.00003; ESP Exome Variant Server 0.00015.
gnomAD v4.1: 4 of 1,613,668 alleles (0.00025%); highest among the groups gnomAD compares: African/African-American, 0.0053%; no homozygotes.

Submissions (2):

Labcorp Genetics (formerly Invitae), Labcorp
Classification: Uncertain significance for Leber congenital amaurosis 13. Last evaluated: 2024-12-10. Review status: criteria provided, single submitter. Criteria: Invitae Variant Classification Sherloc (09022015). Collection method: clinical testing. Allele origin: germline.
Comment: This sequence change replaces proline, which is neutral and non-polar, with leucine, which is neutral and non-polar, at codon 167 of the RDH12 protein (p.Pro167Leu). This variant is present in population databases (rs147338078, gnomAD 0.008%). This variant has not been reported in the literature in individuals affected with RDH12-related conditions. ClinVar contains an entry for this variant (Variation ID: 3014804). Invitae Evidence Modeling of protein sequence and biophysical properties (such as structural, functional, and spatial information, amino acid conservation, physicochemical variation, residue mobility, and thermodynamic stability) indicates that this missense variant is expected to disrupt RDH12 protein function with a positive predictive value of 80%. In summary, the available evidence is currently insufficient to determine the role of this variant in disease. Therefore, it has been classified as a Variant of Uncertain Significance.

Blueprint Genetics
Classification: Uncertain significance. Last evaluated: 2021-09-13. Review status: criteria provided, single submitter. Criteria: ACMG Guidelines, 2015. Collection method: clinical testing. Allele origin: germline.